The following is an entry in ClinVar:

ClinVar aggregate classification (germline): Uncertain significance (1 of 4 stars; one submission).

Conditions:
MIB1-related disorder. Also called: MIB1-related condition.

Submission:

PreventionGenetics, part of Exact Sciences
Classification: Uncertain significance for MIB1-related condition. Last evaluated: 2026-07-01. Review status: criteria provided, single submitter. Criteria: ACMG Guidelines, 2015. Collection method: clinical testing. Allele origin: germline.
Comment: The MIB1 c.1265delT variant is predicted to result in a frameshift and premature protein termination (p.Leu422Tyrfs*14). To our knowledge, this variant has not been reported in the literature or in a large population database (gnomAD), indicating this variant is rare. At this time, the clinical significance of this variant is uncertain due to the absence of conclusive functional and genetic evidence.

NM_020774.4(MIB1):c.1265del (p.Leu422fs)

Gene: MIB1 (MIB E3 ubiquitin protein ligase 1; plus strand). Cytogenetic location: 18q11.2.
Variant type: Deletion.
Coding change: c.1265del on transcript NM_020774.4 (MANE Select); coding-DNA position 1265, one base deleted (T; older notation c.1265delT).
Protein change: p.Leu422fs; shifts the reading frame from leucine 422.
Molecular consequence: frameshift variant.
Genome position (GRCh38, 1-based): chr18:21,799,868, T deleted; the last of 2 consecutive T bases (chr18:21,799,867-21,799,868); deleting either gives the same sequence. VCF-style (leftmost placement, unchanged base first): chr18-21799866-AT-A. GRCh37 (hg19) VCF-style: chr18-19379827-AT-A.
Other names: short protein forms L422fs.
Identifiers: ClinVar variation 4992657 (VCV004992657.1).